The following is an entry in ClinVar:

NM_003906.5(MCM3AP):c.801A>G (p.Lys267=)

Gene: MCM3AP (minichromosome maintenance complex component 3 associated protein; minus strand). Cytogenetic location: 21q22.3.
Variant type: single nucleotide variant.
Coding change: c.801A>G on transcript NM_003906.5 (MANE Select); coding-DNA position 801, A replaced by G.
Protein change: p.Lys267=; no amino-acid change (lysine 267 retained).
Molecular consequence: synonymous variant.
Genome position (GRCh38, 1-based): chr21:46,284,486, T>C on the plus strand (A>G on the coding strand, the complement: MCM3AP is on the minus strand). VCF-style: chr21-46284486-T-C. GRCh37 (hg19) VCF-style: chr21-47704400-T-C.
Other names: c.801A>G (NM_003906.4).
Identifiers: ClinVar variation 1547467 (VCV001547467.9), dbSNP rs17176152, ClinGen allele CA10077268.

ClinVar aggregate classification (germline): Likely benign. Review status: criteria provided, multiple submitters, no conflicts (2 of 4 stars). 2 submissions from 2 submitters: Likely benign (2). Last evaluated 2025-12-29.

Conditions:
MCM3AP-related disorder. Also called: MCM3AP-related condition.

Allele frequency attached by ClinVar (database versions not stated): gnomAD exomes 0.00002 and 0.00004; ExAC 0.00003; ESP Exome Variant Server 0.00008; 1000 Genomes Project 30x 0.00016; 1000 Genomes Project 0.00020; gnomAD 0.00023 and 0.00026; TOPMed 0.00025.
gnomAD v4.1: 67 of 1,614,170 alleles (0.0042%); highest among the groups gnomAD compares: African/African-American, 0.085%; no homozygotes.

Submissions (2):

PreventionGenetics, part of Exact Sciences
Classification: Likely benign for MCM3AP-related condition. Last evaluated: 2025-12-29. Review status: criteria provided, single submitter. Criteria: ACMG Guidelines, 2015. Collection method: clinical testing. Allele origin: germline.
Comment: This variant is classified as likely benign based on ACMG/AMP sequence variant interpretation guidelines (Richards et al. 2015 PMID: 25741868, with internal and published modifications).

Labcorp Genetics (formerly Invitae), Labcorp
Classification: Likely benign. Last evaluated: 2025-12-21. Review status: criteria provided, single submitter. Criteria: Invitae Variant Classification Sherloc (09022015). Collection method: clinical testing. Allele origin: germline.